The following is an entry in ClinVar:

ClinVar aggregate classification (germline): Uncertain significance. Review status: criteria provided, single submitter (1 of 4 stars). 2 submissions from 2 submitters: Uncertain significance (1). 1 of the submissions does not count toward it. Last evaluated 2023-05-23.

Submissions (2):

Labcorp Genetics (formerly Invitae), Labcorp
Classification: Uncertain significance. Last evaluated: 2023-05-23. Review status: criteria provided, single submitter. Criteria: Invitae Variant Classification Sherloc (09022015). Collection method: clinical testing. Allele origin: germline.
Comment: In summary, the available evidence is currently insufficient to determine the role of this variant in disease. Therefore, it has been classified as a Variant of Uncertain Significance. An algorithm developed to predict the effect of missense changes on protein structure and function (PolyPhen-2) suggests that this variant is likely to be disruptive. ClinVar contains an entry for this variant (Variation ID: 2443150). This variant has not been reported in the literature in individuals affected with INS-related conditions. This variant is not present in population databases (gnomAD no frequency). This sequence change replaces cysteine, which is neutral and slightly polar, with tyrosine, which is neutral and polar, at codon 100 of the INS protein (p.Cys100Tyr).

Genetic Services Laboratory, University of Chicago
Classification: Likely pathogenic. Last evaluated: 2022-06-21. Review status: no assertion criteria provided. Collection method: clinical testing. Allele origin: germline. Affected: yes. Not counted in ClinVar's aggregate classification.
Comment: DNA sequence analysis of the INS gene demonstrated a sequence change, c.299G>A, in exon 3 that results in an amino acid change, p.Cys100Tyr. This particular amino acid change does not appear to have been described in the literature in other individuals with INS-related disorders. This sequence change has not been described in population databases such as ExAC and gnomAD. The p.Cys100Tyr amino acid change occurs in a region of the INS gene where other missense sequence changes have been described in individuals with INS-related disorders (PMIDs: 22957706, 2295770). Missense INS variants that cause a substitution or creation of a cysteine residue have been identified in multiple families with neonatal diabetes; these cysteine residue changes are predicted to lead to disruption of disulfide bridge formation critical for proinsulin folding (PMID: 18162506). The p.Cys100Tyr change affects a highly conserved amino acid residue located in a domain of the INS protein that is known to be functional. The p.Cys100Tyr substitution appears to be deleterious using several in-silico pathogenicity prediction tools (SIFT, PolyPhen2, Align GVGD, REVEL). This collective evidence indicate that this sequence change is the likely pathogenic, however functional studies have not been performed to prove this conclusively

NM_000207.3(INS):c.299G>A (p.Cys100Tyr)

Genes: INS (insulin; minus strand), INS-IGF2 (INS-IGF2 readthrough; minus strand). Cytogenetic location: 11p15.5.
Variant type: single nucleotide variant.
Coding change: c.299G>A on transcript NM_000207.3 (MANE Select); coding-DNA position 299, G replaced by A.
Protein change: p.Cys100Tyr; replaces cysteine 100 with tyrosine.
Molecular consequence: missense variant. On other transcripts: intron variant (1).
Genome position (GRCh38, 1-based): chr11:2,159,886, C>T on the plus strand (G>A on the coding strand, the complement: INS is on the minus strand). VCF-style: chr11-2159886-C-T. GRCh37 (hg19) VCF-style: chr11-2181116-C-T.
Other names: c.187+899G>A (NM_001042376.3); c.299G>A, p.Cys100Tyr (NM_001185097.2, NM_001185098.2, NM_001291897.2); short protein forms C100Y.
Identifiers: ClinVar variation 2443150 (VCV002443150.5), dbSNP rs2495746447, ClinGen allele CA379120808.
Genomic context (GRCh38, chr11:2,159,886, plus strand): 5'-GGTGTGGGGCTGCCTGCGGGCTGCGTCTAGTTGCAGTAGTTCTCCAGCTGGTAGAGGGAG[C>T]AGATGCTGGTACAGCATTGTTCCACAATGCCACGCTTCTGCAGGGACCCCTCCAGGGCCA-3'
Protein context (NP_000198.1, residues 90-110): GIVEQCCTSI[Cys100Tyr]SLYQLENYCN